The following is an entry in ClinVar:

ClinVar aggregate classification (germline): Benign/Likely benign. Review status: criteria provided, multiple submitters, no conflicts (2 of 4 stars). 2 submissions from 2 submitters: Benign (1); Likely benign (1). Last evaluated 2018-01-13.

Conditions:
Pseudohypoaldosteronism type 2D (PHA2D). Also called: FAMILIAL HYPERKALEMIC HYPERTENSION; PSEUDOHYPOALDOSTERONISM, TYPE IID, AUTOSOMAL DOMINANT OR RECESSIVE; Pseudohypoaldosteronism Type IID. Identifiers: Orphanet 300525, Orphanet 757, MedGen C3469605, MONDO:0013781, OMIM 614495.

Allele frequency attached by ClinVar (database versions not stated): gnomAD 0.00913 and 0.00971; TOPMed 0.01150; 1000 Genomes Project 0.01278; 1000 Genomes Project 30x 0.01468.

Submissions (2):

Illumina Laboratory Services, Illumina
Classification: Benign for Pseudohypoaldosteronism type 2D. Last evaluated: 2018-01-13. Review status: criteria provided, single submitter. Criteria: ICSL Variant Classification Criteria 13 December 2019. Collection method: clinical testing. Allele origin: germline.
Comment: This variant was observed in the ICSL laboratory as part of a predisposition screen in an ostensibly healthy population. It had not been previously curated by ICSL or reported in the Human Gene Mutation Database (HGMD: prior to June 1st, 2018), and was therefore a candidate for classification through an automated scoring system. Utilizing variant allele frequency, disease prevalence and penetrance estimates, and inheritance mode, an automated score was calculated to assess if this variant is too frequent to cause the disease. Based on the score and internal cut-off values, a variant classified as benign is not then subjected to further curation. The score for this variant resulted in a classification of benign for this disease.

Breakthrough Genomics
Classification: Likely benign. Review status: criteria provided, single submitter. Criteria: ACMG Guidelines, 2015. Collection method: not provided. Allele origin: germline. Inheritance: Autosomal dominant inheritance. Affected: yes.

NM_017415.3(KLHL3):c.*1451A>G

Gene: KLHL3 (kelch like family member 3; minus strand). Cytogenetic location: 5q31.2.
Variant type: single nucleotide variant.
Coding change: c.*1451A>G on transcript NM_017415.3 (MANE Select); 1451 bases downstream of the stop codon, A replaced by G.
Molecular consequence: 3 prime UTR variant.
Genome position (GRCh38, 1-based): chr5:137,620,647, T>C on the plus strand (A>G on the coding strand, the complement: KLHL3 is on the minus strand). VCF-style: chr5-137620647-T-C. GRCh37 (hg19) VCF-style: chr5-136956336-T-C.
Other names: c.*1451A>G (NM_001257194.1, NM_001257195.2).
Identifiers: ClinVar variation 350963 (VCV000350963.7), dbSNP rs149596381, ClinGen allele CA10622785.